The following is an entry in ClinVar:

NM_012194.3(KIAA1549L):c.6030C>T (p.Phe2010=)

Gene: KIAA1549L (KIAA1549 like; plus strand). Cytogenetic location: 11p13.
Variant type: single nucleotide variant.
Coding change: c.6030C>T on transcript NM_012194.3 (MANE Select); coding-DNA position 6030, C replaced by T.
Protein change: p.Phe2010=; no amino-acid change (phenylalanine 2010 retained).
Molecular consequence: synonymous variant.
Genome position (GRCh38, 1-based): chr11:33,660,885, C>T. VCF-style: chr11-33660885-C-T. GRCh37 (hg19) VCF-style: chr11-33682431-C-T.
Other names: c.3840C>T, p.Phe1280= (NM_001410965.1).
Identifiers: ClinVar variation 3388245 (VCV003388245.14).
Genomic context (GRCh38, chr11:33,660,885, plus strand): 5'-CCTCTCTTAACCTCCCTCCTCCATTTCCTCCATGCCAGGTAATACGGTGCCAGCAGTGTT[C>T]GCCATCCCAGCTGCCAACAGACCTGGCTTCACCGGCTACTTCATCCCAACGCCTCCCTCA-3'
Protein context (NP_036326.3, residues 2000-2020): NYSGNTVPAV[Phe2010=]AIPAANRPGF

ClinVar aggregate classification (germline): Likely benign (1 of 4 stars; one submission).

gnomAD v4.1: 46 of 1,613,700 alleles (0.0029%); highest among the groups gnomAD compares: Middle Eastern, 0.016%; no homozygotes.

Submission:

CeGaT Center for Human Genetics Tuebingen
Classification: Likely benign. Last evaluated: 2024-10-01. Review status: criteria provided, single submitter. Criteria: CeGaT Center For Human Genetics Tuebingen Variant Classification Criteria Version 2. Collection method: clinical testing. Allele origin: germline. Affected: yes. Observed: 1 variant allele.
Comment: KIAA1549L: BP4, BP7